The following is an entry in ClinVar:

ClinVar aggregate classification (germline): Uncertain significance (1 of 4 stars; one submission).

Submission:

Ambry Genetics
Classification: Uncertain significance. Last evaluated: 2024-10-04. Review status: criteria provided, single submitter. Criteria: Ambry Variant Classification Scheme 2023. Collection method: clinical testing. Allele origin: germline.
Comment: The p.E741Q variant (also known as c.2221G>C), located in coding exon 12 of the PALLD gene, results from a G to C substitution at nucleotide position 2221. The glutamic acid at codon 741 is replaced by glutamine, an amino acid with highly similar properties. This amino acid position is conserved. In addition, the in silico prediction for this alteration is inconclusive. Based on the available evidence, the clinical significance of this variant remains unclear.

NM_001166108.2(PALLD):c.2272G>C (p.Glu758Gln)

Genes: CBR4 (carbonyl reductase 4; minus strand), PALLD (palladin, cytoskeletal associated protein; plus strand). Cytogenetic location: 4q32.3.
Variant type: single nucleotide variant.
Coding change: c.2272G>C on transcript NM_001166108.2 (MANE Select); coding-DNA position 2272, G replaced by C.
Protein change: p.Glu758Gln; replaces glutamic acid 758 with glutamine.
Molecular consequence: missense variant.
Genome position (GRCh38, 1-based): chr4:168,898,514, G>C. VCF-style: chr4-168898514-G-C. GRCh37 (hg19) VCF-style: chr4-169819665-G-C.
Other names: c.1075G>C, p.Glu359Gln (NM_001166109.2); c.760G>C, p.Glu254Gln (NM_001166110.2); c.100G>C, p.Glu34Gln (NM_001367567.1, NM_001367569.1); c.151G>C, p.Glu51Gln (NM_001367568.1, NM_001367570.1); c.2221G>C, p.Glu741Gln (NM_016081.4); short protein forms E51Q, E741Q, E34Q, E254Q, E359Q, E758Q.
Identifiers: ClinVar variation 3413631 (VCV003413631.1).